The following is an entry in ClinVar:

ClinVar aggregate classification (germline): Uncertain significance (1 of 4 stars; one submission).

Submission:

Dasa
Classification: Uncertain significance. Last evaluated: 2025-01-03. Review status: criteria provided, single submitter. Criteria: DASA Assertion Criteria. Collection method: clinical testing. Allele origin: germline.
Comment: NM_012469.4(PRPF6):c.1646del (p.Ser549Ilefs*3) is a frameshift variant in PRPF6 predicted to alter the reading frame and introduce a premature termination codon. This variant is absent from population databases. The currently available literature and clinical evidence are not sufficient to establish a definitive association between this variant and the reported condition. Therefore, this variant is classified as a variant of uncertain significance.

NM_012469.4(PRPF6):c.1646del (p.Ser549fs)

Genes: PRPF6 (pre-mRNA processing factor 6; plus strand), LOC126863090 (P300/CBP strongly-dependent group 1 enhancer GRCh37_chr20:62648052-62649251; plus strand). Cytogenetic location: 20q13.33.
Variant type: Deletion.
Coding change: c.1646del on transcript NM_012469.4 (MANE Select); coding-DNA position 1646, one base deleted (G; older notation c.1646delG).
Protein change: p.Ser549fs; shifts the reading frame from serine 549.
Molecular consequence: frameshift variant.
Genome position (GRCh38, 1-based): chr20:64,016,844, G deleted. VCF-style (leftmost placement, unchanged base first): chr20-64016843-AG-A. GRCh37 (hg19) VCF-style: chr20-62648196-AG-A.
Other names: short protein forms S549fs.
Identifiers: ClinVar variation 4883949 (VCV004883949.2).